The following is an entry in ClinVar:

ClinVar aggregate classification (germline): Uncertain significance (1 of 4 stars; one submission).

Submission:

GeneDx
Classification: Uncertain significance. Last evaluated: 2019-07-21. Review status: criteria provided, single submitter. Criteria: GeneDx Variant Classification Process June 2021. Collection method: clinical testing. Allele origin: germline. Affected: yes.
Comment: In-frame deletion of 1 amino acid in a non-repeat region; In silico analysis, which includes protein predictors and evolutionary conservation, supports a deleterious effect; Has not been previously published as pathogenic or benign to our knowledge

NM_001543.5(NDST1):c.1726GAG[1] (p.Glu577del)

Gene: NDST1 (N-deacetylase and N-sulfotransferase 1; plus strand). Cytogenetic location: 5q33.1.
Variant type: Microsatellite.
Coding change: c.1726GAG[1] on transcript NM_001543.5 (MANE Select); one copy of the 3-base unit GAG starting at c.1726; the reference has two copies in a row; one copy, 3 bases deleted.
Protein change: p.Glu577del; deletes glutamic acid 577.
Molecular consequence: inframe deletion.
Genome position (GRCh38, 1-based): chr5:150,540,244-150,540,246, GAG deleted; deleting any 3 consecutive bases within chr5:150,540,241-150,540,246 gives the same sequence; the position shown is the placement nearest the transcript's 3' end. VCF-style (leftmost placement, unchanged base first): chr5-150540240-CGAG-C. GRCh37 (hg19) VCF-style: chr5-149919802-CGAG-C.
Other names: c.1726GAG[1], p.Glu577del (NM_001301063.2); short protein forms E577del.
Identifiers: ClinVar variation 1306895 (VCV001306895.2), dbSNP rs757264097, ClinGen allele CA3512753.
Genomic context (GRCh38, chr5:150,540,240, plus strand): 5'-CCTCCGGCTGCAGACACTGCCCCCTGTGCAGTTGGCGCAGAAGTACTTCCAGATCTTCTC[CGAG>C]GAGAAGGACCCGCTCTGGCAGGTGGGGGGCTGGGCAGCCTGGGCAGGTTGCTACAGGGAT-3'